The following is an entry in ClinVar:

ClinVar aggregate classification (germline): Likely benign. Review status: criteria provided, multiple submitters, no conflicts (2 of 4 stars). 3 submissions from 3 submitters: Likely benign (3). Last evaluated 2025-10-06.

Conditions:
PRX-related disorder. Also called: PRX-related condition; PRX-Related Disorders.
Charcot-Marie-Tooth disease type 4. Also called: Charcot-Marie-Tooth disease, type IV; Charcot-Marie-Tooth, Type 4. Identifiers: Orphanet 64749, MedGen C4082197, MONDO:0018995.

Allele frequency attached by ClinVar (database versions not stated): gnomAD 0.00001; gnomAD exomes 0.00001; TOPMed 0.00001; ExAC 0.00006.
gnomAD v4.1: 13 of 1,560,604 alleles (0.00083%); highest among the groups gnomAD compares: South Asian, 0.0035%; no homozygotes.

Submissions (3):

PreventionGenetics, part of Exact Sciences
Classification: Likely benign for PRX-related condition. Last evaluated: 2025-10-06. Review status: criteria provided, single submitter. Criteria: ACMG Guidelines, 2015. Collection method: clinical testing. Allele origin: germline.
Comment: This variant is classified as likely benign based on ACMG/AMP sequence variant interpretation guidelines (Richards et al. 2015 PMID: 25741868, with internal and published modifications).

Women's Health and Genetics/Laboratory Corporation of America, LabCorp
Classification: Likely benign. Last evaluated: 2025-05-29. Review status: criteria provided, single submitter. Criteria: LabCorp Variant Classification Summary - May 2015. Collection method: clinical testing. Allele origin: germline.

Labcorp Genetics (formerly Invitae), Labcorp
Classification: Likely benign for Charcot-Marie-Tooth disease type 4. Last evaluated: 2023-03-14. Review status: criteria provided, single submitter. Criteria: Invitae Variant Classification Sherloc (09022015). Collection method: clinical testing. Allele origin: germline.

NM_181882.3(PRX):c.627C>T (p.Ala209=)

Gene: PRX (periaxin; minus strand). Cytogenetic location: 19q13.2.
Variant type: single nucleotide variant.
Coding change: c.627C>T on transcript NM_181882.3 (MANE Select); coding-DNA position 627, C replaced by T.
Protein change: p.Ala209=; no amino-acid change (alanine 209 retained).
Molecular consequence: synonymous variant. On other transcripts: 3 prime UTR variant (1).
Genome position (GRCh38, 1-based): chr19:40,397,725, G>A on the plus strand (C>T on the coding strand, the complement: PRX is on the minus strand). VCF-style: chr19-40397725-G-A. GRCh37 (hg19) VCF-style: chr19-40903632-G-A.
Other names: c.*832C>T (NM_020956.2).
Identifiers: ClinVar variation 695199 (VCV000695199.12), dbSNP rs761085934, ClinGen allele CA9444411.